The following is an entry in ClinVar:

NM_000246.4(CIITA):c.1399del (p.Asp467fs)

Gene: CIITA (class II major histocompatibility complex transactivator; plus strand). Cytogenetic location: 16p13.13.
Variant type: Deletion.
Coding change: c.1399del on transcript NM_000246.4 (MANE Select); coding-DNA position 1399, one base deleted (G; older notation c.1399delG).
Protein change: p.Asp467fs; shifts the reading frame from aspartic acid 467.
Molecular consequence: frameshift variant. On other transcripts: intron variant (1).
Genome position (GRCh38, 1-based): chr16:10,906,891, G deleted; the last of 2 consecutive G bases (chr16:10,906,890-10,906,891); deleting either gives the same sequence. VCF-style (leftmost placement, unchanged base first): chr16-10906889-AG-A. GRCh37 (hg19) VCF-style: chr16-11000746-AG-A.
Other names: c.1402del, p.Asp468fs (NM_001286402.1, NM_001379332.1); c.1255del, p.Asp419fs (NM_001379330.1); c.1252del, p.Asp418fs (NM_001379331.1); c.1399del, p.Asp467fs (NM_001379333.1); c.1330del, p.Asp444fs (NM_001379334.1); c.859+2079del (NM_001286403.2); short protein forms D419fs, D418fs, D444fs, D467fs, D468fs.
Identifiers: ClinVar variation 2849726 (VCV002849726.3), dbSNP rs2544475284, ClinGen allele CA2739266605.

ClinVar aggregate classification (germline): Pathogenic (1 of 4 stars; one submission).

Conditions:
MHC class II deficiency. Also called: Bare lymphocyte syndrome 2; BLS, TYPE II. Identifiers: Orphanet 572, MedGen C5447452, MONDO:0008855.

Submission:

Labcorp Genetics (formerly Invitae), Labcorp
Classification: Pathogenic for MHC class II deficiency. Last evaluated: 2023-03-26. Review status: criteria provided, single submitter. Criteria: Invitae Variant Classification Sherloc (09022015). Collection method: clinical testing. Allele origin: germline.
Comment: For these reasons, this variant has been classified as Pathogenic. Algorithms developed to predict the effect of sequence changes on RNA splicing suggest that this variant may create or strengthen a splice site. This variant has not been reported in the literature in individuals affected with CIITA-related conditions. This variant is not present in population databases (gnomAD no frequency). This sequence change creates a premature translational stop signal (p.Asp467Ilefs*22) in the CIITA gene. It is expected to result in an absent or disrupted protein product. Loss-of-function variants in CIITA are known to be pathogenic (PMID: 8402893, 9099848, 26271388).

Literature cited by the submitters: PubMed 8402893; PubMed 9099848; PubMed 26271388.